The following is an entry in ClinVar:

NM_020549.5(CHAT):c.1097C>A (p.Thr366Lys)

Gene: CHAT (choline O-acetyltransferase; plus strand). Cytogenetic location: 10q11.23.
Variant type: single nucleotide variant.
Coding change: c.1097C>A on transcript NM_020549.5 (MANE Select); coding-DNA position 1097, C replaced by A.
Protein change: p.Thr366Lys; replaces threonine 366 with lysine.
Molecular consequence: missense variant.
Genome position (GRCh38, 1-based): chr10:49,627,771, C>A. VCF-style: chr10-49627771-C-A. GRCh37 (hg19) VCF-style: chr10-50835817-C-A.
Other names: c.743C>A, p.Thr248Lys (NM_001142929.2, NM_001142934.2, NM_020984.4 and 2 more transcripts); c.851C>A, p.Thr284Lys (NM_001142933.2); short protein forms T284K, T248K, T366K.
Identifiers: ClinVar variation 1525292 (VCV001525292.4), dbSNP rs533289708, ClinGen allele CA5497356.

ClinVar aggregate classification (germline): Uncertain significance. Review status: criteria provided, multiple submitters, no conflicts (2 of 4 stars). 2 submissions from 2 submitters: Uncertain significance (2). Last evaluated 2022-06-27.

Conditions:
Familial infantile myasthenia (CMS6). Also called: MYASTHENIC SYNDROME, CONGENITAL, 6, PRESYNAPTIC; Congenital myasthenic syndrome type 6; MYASTHENIC SYNDROME, PRESYNAPTIC, CONGENITAL, ASSOCIATED WITH EPISODIC APNEA. Identifiers: Orphanet 590, MedGen C0393929, MONDO:0009689, OMIM 254210.

Submissions (2):

Labcorp Genetics (formerly Invitae), Labcorp
Classification: Uncertain significance for Familial infantile myasthenia. Last evaluated: 2022-06-27. Review status: criteria provided, single submitter. Criteria: Invitae Variant Classification Sherloc (09022015). Collection method: clinical testing. Allele origin: germline.
Comment: This sequence change replaces threonine, which is neutral and polar, with lysine, which is basic and polar, at codon 366 of the CHAT protein (p.Thr366Lys). This variant is present in population databases (rs533289708, gnomAD 0.003%). This variant has not been reported in the literature in individuals affected with CHAT-related conditions. Advanced modeling of protein sequence and biophysical properties (such as structural, functional, and spatial information, amino acid conservation, physicochemical variation, residue mobility, and thermodynamic stability) performed at Invitae indicates that this missense variant is not expected to disrupt CHAT protein function. In summary, the available evidence is currently insufficient to determine the role of this variant in disease. Therefore, it has been classified as a Variant of Uncertain Significance.

Blueprint Genetics
Classification: Uncertain significance. Last evaluated: 2022-06-17. Review status: criteria provided, single submitter. Criteria: ACMG Guidelines, 2015. Collection method: clinical testing. Allele origin: germline.